The following is an entry in ClinVar:

NM_001165963.4(SCN1A):c.749T>C (p.Val250Ala)

Gene: SCN1A (sodium voltage-gated channel alpha subunit 1; minus strand). Cytogenetic location: 2q24.3.
Variant type: single nucleotide variant.
Coding change: c.749T>C on transcript NM_001165963.4 (MANE Select); coding-DNA position 749, T replaced by C.
Protein change: p.Val250Ala; replaces valine 250 with alanine.
Molecular consequence: missense variant. On other transcripts: 5 prime UTR variant (1), non-coding transcript variant (1).
Genome position (GRCh38, 1-based): chr2:166,051,934, A>G on the plus strand (T>C on the coding strand, the complement: SCN1A is on the minus strand). VCF-style: chr2-166051934-A-G. GRCh37 (hg19) VCF-style: chr2-166908444-A-G.
Other names: c.749T>C, p.Val250Ala (NM_001165964.3, NM_001202435.3, NM_001353948.2 and 10 more transcripts); c.-1677T>C (NM_001353961.2); short protein forms V250A.
Identifiers: ClinVar variation 1912005 (VCV001912005.5), dbSNP rs1553549845, ClinGen allele CA349073614.

ClinVar aggregate classification (germline): Uncertain significance (1 of 4 stars; one submission).

Conditions:
Early-infantile DEE. Also called: Early infantile epileptic encephalopathy; Ohtahara syndrome; Early infantile epileptic encephalopathy with suppression bursts. Identifiers: Orphanet 1934, MedGen C0393706, MONDO:0800491.

Allele frequency attached by ClinVar (database versions not stated): gnomAD exomes below 0.00001.
gnomAD v4.1: 5 of 1,612,416 alleles (0.00031%); highest among the groups gnomAD compares: Non-Finnish European, 0.00042%; no homozygotes.

Submission:

Labcorp Genetics (formerly Invitae), Labcorp
Classification: Uncertain significance for Early-infantile DEE. Last evaluated: 2022-06-01. Review status: criteria provided, single submitter. Criteria: Invitae Variant Classification Sherloc (09022015). Collection method: clinical testing. Allele origin: germline.
Comment: This variant has not been reported in the literature in individuals affected with SCN1A-related conditions. This variant is not present in population databases (gnomAD no frequency). This sequence change replaces valine, which is neutral and non-polar, with alanine, which is neutral and non-polar, at codon 250 of the SCN1A protein (p.Val250Ala). Advanced modeling of protein sequence and biophysical properties (such as structural, functional, and spatial information, amino acid conservation, physicochemical variation, residue mobility, and thermodynamic stability) performed at Invitae indicates that this missense variant is expected to disrupt SCN1A protein function. In summary, the available evidence is currently insufficient to determine the role of this variant in disease. Therefore, it has been classified as a Variant of Uncertain Significance.